The following is an entry in ClinVar:

ClinVar aggregate classification (germline): Pathogenic/Likely pathogenic. Review status: criteria provided, multiple submitters, no conflicts (2 of 4 stars). 4 submissions from 4 submitters: Pathogenic (2); Likely pathogenic (2). Last evaluated 2024-09-28.

Conditions:
Familial adenomatous polyposis 1 (FAP1). Also called: FAMILIAL ADENOMATOUS POLYPOSIS 1, ATTENUATED; POLYPOSIS, ADENOMATOUS INTESTINAL. Identifiers: MedGen C2713442, MONDO:0021056, OMIM 175100. Disease mechanism: loss of function.
Familial multiple polyposis syndrome (FAP). Also called: Familial adenomatous polyposis; Familial intestinal polyposis; Familial Adenomatous Polyposis (FAP); Familial polyposis; Classic familial adenomatous polyposis. Identifiers: Orphanet 733, MedGen C0032580, MONDO:0021055. Disease mechanism: loss of function.

Submissions (4):

Labcorp Genetics (formerly Invitae), Labcorp
Classification: Pathogenic for Familial adenomatous polyposis 1. Last evaluated: 2024-09-28. Review status: criteria provided, single submitter. Criteria: Invitae Variant Classification Sherloc (09022015). Collection method: clinical testing. Allele origin: germline.
Comment: This sequence change creates a premature translational stop signal (p.Tyr416Leufs*3) in the APC gene. It is expected to result in an absent or disrupted protein product. Loss-of-function variants in APC are known to be pathogenic (PMID: 17963004, 20685668). This variant is not present in population databases (gnomAD no frequency). This variant has not been reported in the literature in individuals affected with APC-related conditions. ClinVar contains an entry for this variant (Variation ID: 411548). For these reasons, this variant has been classified as Pathogenic.

Myriad Genetics, Inc.
Classification: Pathogenic for Familial adenomatous polyposis 1. Last evaluated: 2023-05-01. Review status: criteria provided, single submitter. Criteria: Myriad Autosomal Dominant, Autosomal Recessive and X-Linked Classification Criteria (2023). Collection method: clinical testing. Allele origin: unknown.
Comment: This variant is considered pathogenic. This variant creates a frameshift predicted to result in premature protein truncation.

GeneDx
Classification: Likely pathogenic. Last evaluated: 2018-05-25. Review status: criteria provided, single submitter. Criteria: GeneDx Variant Classification (06012015). Collection method: clinical testing. Allele origin: germline. Affected: yes.
Comment: This duplication of one nucleotide in APC is denoted c.1246dupT at the cDNA level and p.Tyr416LeufsX3 (Y416LfsX3) at the protein level. The normal sequence, with the base that is duplicated in brackets, is CGCT[dupT]ACTG. The duplication causes a frameshift which changes a Tyrosine to a Leucine at codon 416, and creates a premature stop codon at position 3 of the new reading frame. Although this variant has not, to our knowledge, been reported in the literature as a germline variant, it is predicted to cause loss of normal protein function through either protein truncation or nonsense-mediated mRNA decay. Based on currently available evidence, we consider this duplication to be a likely pathogenic variant.

Center for Human Genetics, Inc
Classification: Likely pathogenic for Familial multiple polyposis syndrome. Last evaluated: 2016-11-01. Review status: criteria provided, single submitter. Criteria: ACMG Guidelines, 2015. Collection method: clinical testing. Allele origin: germline. Affected: yes.

Literature cited by the submitters: PubMed 17963004 (cited by Labcorp Genetics (formerly Invitae), Labcorp); PubMed 20685668 (cited by Labcorp Genetics (formerly Invitae), Labcorp).

NM_000038.6(APC):c.1246dup (p.Tyr416fs)

Gene: APC (APC regulator of Wnt signaling pathway; plus strand). Cytogenetic location: 5q22.2.
Variant type: Duplication.
Coding change: c.1246dup on transcript NM_000038.6 (MANE Select); coding-DNA position 1246, one base duplicated (T; older notation c.1246dupT).
Protein change: p.Tyr416fs; shifts the reading frame from tyrosine 416.
Molecular consequence: frameshift variant.
Genome position (GRCh38, 1-based): chr5:112,819,278, T duplicated; the last of 2 consecutive T bases (chr5:112,819,277-112,819,278); duplicating either gives the same sequence. VCF-style (leftmost placement, unchanged base first): chr5-112819276-C-CT. GRCh37 (hg19) VCF-style: chr5-112154973-C-CT.
Other names: c.1246dup, p.Tyr416fs (NM_001127510.3, NM_001354895.2, NM_001354896.2); c.1192dup, p.Tyr398fs (NM_001127511.3); c.1276dup, p.Tyr426fs (NM_001354897.2); c.1171dup, p.Tyr391fs (NM_001354898.2); c.1162dup, p.Tyr388fs (NM_001354899.2); c.1069dup, p.Tyr357fs (NM_001354900.2, NM_001354901.2); c.973dup, p.Tyr325fs (NM_001354902.2); c.943dup, p.Tyr315fs (NM_001354903.2); and 3 more; short protein forms Y256fs, Y290fs, Y315fs, Y426fs, Y325fs, Y398fs, Y133fs, Y357fs.
Identifiers: ClinVar variation 411548 (VCV000411548.49), dbSNP rs1060503366, ClinGen allele CA16611762.